The following is an entry in ClinVar:

NM_172107.4(KCNQ2):c.1525+12C>T

Gene: KCNQ2 (potassium voltage-gated channel subfamily Q member 2; minus strand). Cytogenetic location: 20q13.33.
Variant type: single nucleotide variant.
Coding change: c.1525+12C>T on transcript NM_172107.4 (MANE Select); 12 bases into the intron after coding-DNA position 1525, C replaced by T.
Molecular consequence: intron variant.
Genome position (GRCh38, 1-based): chr20:63,414,891, G>A on the plus strand (C>T on the coding strand, the complement: KCNQ2 is on the minus strand). VCF-style: chr20-63414891-G-A. GRCh37 (hg19) VCF-style: chr20-62046244-G-A.
Other names: c.1441+12C>T (NM_004518.6); c.1435+12C>T (NM_172108.5); c.1471+12C>T (NM_172106.3).
Identifiers: ClinVar variation 378026 (VCV000378026.10), dbSNP rs767442522, ClinGen allele CA9958440.

ClinVar aggregate classification (germline): Likely benign. Review status: criteria provided, multiple submitters, no conflicts (2 of 4 stars). 3 submissions from 3 submitters: Likely benign (3). Last evaluated 2025-12-01.

Conditions:
Early-infantile DEE. Also called: Ohtahara syndrome; Early infantile epileptic encephalopathy; Early infantile epileptic encephalopathy with suppression bursts. Identifiers: Orphanet 1934, MedGen C0393706, MONDO:0800491.

Allele frequency attached by ClinVar (database versions not stated): gnomAD 0.00002; gnomAD exomes 0.00003; ExAC 0.00004.
gnomAD v4.1: 45 of 1,611,024 alleles (0.0028%); highest among the groups gnomAD compares: Middle Eastern, 0.072%; no homozygotes.

Submissions (3):

Labcorp Genetics (formerly Invitae), Labcorp
Classification: Likely benign for Early-infantile DEE. Last evaluated: 2025-12-01. Review status: criteria provided, single submitter. Criteria: Invitae Variant Classification Sherloc (09022015). Collection method: clinical testing. Allele origin: germline.

Blueprint Genetics
Classification: Likely benign. Last evaluated: 2024-04-30. Review status: criteria provided, single submitter. Criteria: ACMG Guidelines, 2015. Collection method: clinical testing. Allele origin: germline.

GeneDx
Classification: Likely benign. Last evaluated: 2016-08-24. Review status: criteria provided, single submitter. Criteria: GeneDx Variant Classification (06012015). Collection method: clinical testing. Allele origin: germline. Affected: yes.
Comment: This variant is considered likely benign or benign based on one or more of the following criteria: it is a conservative change, it occurs at a poorly conserved position in the protein, it is predicted to be benign by multiple in silico algorithms, and/or has population frequency not consistent with disease.